The following is an entry in ClinVar:

NM_003242.6(TGFBR2):c.1663G>A (p.Glu555Lys)

Gene: TGFBR2 (transforming growth factor beta receptor 2; plus strand). Cytogenetic location: 3p24.1.
Variant type: single nucleotide variant.
Coding change: c.1663G>A on transcript NM_003242.6 (MANE Select); coding-DNA position 1663, G replaced by A.
Protein change: p.Glu555Lys; replaces glutamic acid 555 with lysine.
Molecular consequence: missense variant.
Genome position (GRCh38, 1-based): chr3:30,691,558, G>A. VCF-style: chr3-30691558-G-A. GRCh37 (hg19) VCF-style: chr3-30733050-G-A.
Other names: c.1738G>A, p.Glu580Lys (NM_001024847.3); c.1846G>A, p.Glu616Lys (NM_001407126.1); c.1771G>A, p.Glu591Lys (NM_001407127.1); c.1690G>A, p.Glu564Lys (NM_001407128.1); c.1666G>A, p.Glu556Lys (NM_001407129.1); c.1660G>A, p.Glu554Lys (NM_001407130.1); c.1558G>A, p.Glu520Lys (NM_001407132.1, NM_001407133.1, NM_001407134.1 and 2 more transcripts); c.1378G>A, p.Glu460Lys (NM_001407137.1); and 2 more; short protein forms E580K, E555K, E556K, E591K, E265K, E435K, E564K, E616K.
Identifiers: ClinVar variation 920979 (VCV000920979.11), dbSNP rs1325892805, ClinGen allele CA351809776.

ClinVar aggregate classification (germline): Uncertain significance. Review status: criteria provided, multiple submitters, no conflicts (2 of 4 stars). 4 submissions from 4 submitters: Uncertain significance (4). Last evaluated 2024-03-06.

Conditions:
Familial thoracic aortic aneurysm and aortic dissection (TAAD). Also called: Thoracic aortic aneurysms and dissections. Identifiers: Orphanet 91387, MedGen C4707243, MONDO:0019625.
Loeys-Dietz syndrome 2 (LDS2). Also called: TGFBR2-Related Loeys-Dietz Syndrome; AORTIC ANEURYSM, FAMILIAL THORACIC 3; MARFAN SYNDROME, TYPE II; Marfan Syndrome type 2; Marfan like connective tissue disorder; MFS 2. Identifiers: Orphanet 284973, Orphanet 558, MedGen C2674574, MONDO:0012427, OMIM 610168.

Allele frequency attached by ClinVar (database versions not stated): gnomAD exomes below 0.00001.
gnomAD v4.1: 2 of 1,614,136 alleles (0.00012%); highest among the groups gnomAD compares: Non-Finnish European, 0.000085%; no homozygotes.

Submissions (4):

Color Diagnostics, LLC DBA Color Health
Classification: Uncertain significance for Familial thoracic aortic aneurysm and aortic dissection. Last evaluated: 2024-03-06. Review status: criteria provided, single submitter. Criteria: ACMG Guidelines, 2015. Collection method: clinical testing. Allele origin: germline.
Comment: This missense variant replaces glutamic acid with lysine at codon 555 of the TGFBR2 protein. Computational prediction tool indicates that this variant may have an uncertain impact on protein structure and function. To our knowledge, functional studies have not been reported for this variant. This variant has not been reported in individuals affected with TGFBR2-related disorders in the literature. This variant has been identified in 1/251212 chromosomes in the general population by the Genome Aggregation Database (gnomAD). The available evidence is insufficient to determine the role of this variant in disease conclusively. Therefore, this variant is classified as a Variant of Uncertain Significance.

Ambry Genetics
Classification: Uncertain significance for Familial thoracic aortic aneurysm and aortic dissection. Last evaluated: 2024-01-11. Review status: criteria provided, single submitter. Criteria: Ambry Variant Classification Scheme 2023. Collection method: clinical testing. Allele origin: germline.
Comment: The p.E555K variant (also known as c.1663G>A), located in coding exon 7 of the TGFBR2 gene, results from a G to A substitution at nucleotide position 1663. The glutamic acid at codon 555 is replaced by lysine, an amino acid with similar properties. This amino acid position is conserved. In addition, the in silico prediction for this alteration is inconclusive. Since supporting evidence is limited at this time, the clinical significance of this alteration remains unclear.

All of Us Research Program, National Institutes of Health
Classification: Uncertain significance for Loeys-Dietz syndrome 2. Last evaluated: 2023-12-18. Review status: criteria provided, single submitter. Criteria: ACMG Guidelines, 2015. Collection method: clinical testing. Allele origin: germline. Inheritance: Autosomal dominant inheritance. Observed: 2 variant alleles, 2 heterozygotes.
Comment: This missense variant replaces glutamic acid with lysine at codon 555 of the TGFBR2 protein. Computational prediction tool is inconclusive regarding the impact of this variant on protein structure and function (internally defined REVEL score threshold 0.5 < inconclusive < 0.7, PMID: 27666373). Splice site prediction tools suggest that this variant may not impact RNA splicing. To our knowledge, functional studies have not been performed for this variant. This variant has not been reported in individuals affected with cardiovascular disorders in the literature. This variant has been identified in 1/251212 chromosomes in the general population by the Genome Aggregation Database (gnomAD). The available evidence is insufficient to determine the role of this variant in disease conclusively. Therefore, this variant is classified as a Variant of Uncertain Significance.

This study involves interpretation of variants in research participants for the purpose of population health screening. Participant phenotype was not available at the time of variant classification. Additional details can be found in publication PMID: 35346344, PMCID: PMC8962531

Labcorp Genetics (formerly Invitae), Labcorp
Classification: Uncertain significance for Familial thoracic aortic aneurysm and aortic dissection. Last evaluated: 2022-10-13. Review status: criteria provided, single submitter. Criteria: Invitae Variant Classification Sherloc (09022015). Collection method: clinical testing. Allele origin: germline.
Comment: This sequence change replaces glutamic acid, which is acidic and polar, with lysine, which is basic and polar, at codon 555 of the TGFBR2 protein (p.Glu555Lys). This variant is present in population databases (no rsID available, gnomAD 0.0009%). In summary, the available evidence is currently insufficient to determine the role of this variant in disease. Therefore, it has been classified as a Variant of Uncertain Significance. Advanced modeling of protein sequence and biophysical properties (such as structural, functional, and spatial information, amino acid conservation, physicochemical variation, residue mobility, and thermodynamic stability) performed at Invitae indicates that this missense variant is expected to disrupt TGFBR2 protein function. ClinVar contains an entry for this variant (Variation ID: 920979). This variant has not been reported in the literature in individuals affected with TGFBR2-related conditions.